The following is an entry in ClinVar:

ClinVar aggregate classification (germline): Uncertain significance (1 of 4 stars; one submission).

Submission:

GeneDx
Classification: Uncertain significance. Last evaluated: 2020-11-03. Review status: criteria provided, single submitter. Criteria: GeneDx Variant Classification Process June 2021. Collection method: clinical testing. Allele origin: germline. Affected: yes.
Comment: Not observed in large population cohorts (Lek et al., 2016); In silico analysis supports that this missense variant does not alter protein structure/function; Has not been previously published as pathogenic or benign to our knowledge

NM_001323289.2(CDKL5):c.2696C>A (p.Pro899Gln)

Gene: CDKL5 (cyclin dependent kinase like 5; plus strand). Cytogenetic location: Xp22.13.
Variant type: single nucleotide variant.
Coding change: c.2696C>A on transcript NM_001323289.2 (MANE Select); coding-DNA position 2696, C replaced by A.
Protein change: p.Pro899Gln; replaces proline 899 with glutamine.
Molecular consequence: missense variant.
Genome position (GRCh38, 1-based): chrX:18,628,570, C>A. VCF-style: chrX-18628570-C-A. GRCh37 (hg19) VCF-style: chrX-18646690-C-A.
Other names: c.2696C>A, p.Pro899Gln (NM_001037343.2, NM_003159.3); short protein forms P899Q.
Identifiers: ClinVar variation 1313636 (VCV001313636.2), dbSNP rs2147179076, ClinGen allele CA412368127.
Genomic context (GRCh38, chrX:18,628,570, plus strand): 5'-TGAGCCAGGCCTCTGGCGGGAGCAGCAACATCCGGCAGGAACCCGCACCGAAGGGCAGGC[C>A]AGCCCTCCAGCTGCCAGGTCAGATGGATCCTGGTTGGCATGTGTCCTCTGTGACCAGGAG-3'
Protein context (NP_001310218.1, residues 889-909): IRQEPAPKGR[Pro899Gln]ALQLPGQMDP